The following is an entry in ClinVar:

NM_000540.3(RYR1):c.7436T>C (p.Leu2479Pro)

Gene: RYR1 (ryanodine receptor 1; plus strand). Cytogenetic location: 19q13.2.
Variant type: single nucleotide variant.
Coding change: c.7436T>C on transcript NM_000540.3 (MANE Select); coding-DNA position 7436, T replaced by C.
Protein change: p.Leu2479Pro; replaces leucine 2479 with proline.
Molecular consequence: missense variant.
Genome position (GRCh38, 1-based): chr19:38,500,718, T>C. VCF-style: chr19-38500718-T-C. GRCh37 (hg19) VCF-style: chr19-38991358-T-C.
Other names: c.7436T>C, p.Leu2479Pro (NM_001042723.2); short protein forms L2479P.
Identifiers: ClinVar variation 4529578 (VCV004529578.1).

ClinVar aggregate classification (germline): Uncertain significance (1 of 4 stars; one submission).

gnomAD v4.1: 2 of 1,614,140 alleles (0.00012%); highest among the groups gnomAD compares: South Asian, 0.0022%; no homozygotes.

Submission:

GeneDx
Classification: Uncertain significance. Last evaluated: 2025-05-14. Review status: criteria provided, single submitter. Criteria: GeneDx Variant Classification Process June 2021. Collection method: clinical testing. Allele origin: germline. Affected: yes.
Comment: Not observed at significant frequency in large population cohorts (gnomAD); In silico analysis supports that this missense variant has a deleterious effect on protein structure/function; Has not been previously published as pathogenic or benign to our knowledge